The following is an entry in ClinVar:

NM_007294.4(BRCA1):c.14C>A (p.Ala5Asp)

Gene: BRCA1 (BRCA1 DNA repair associated; minus strand). Cytogenetic location: 17q21.31.
Variant type: single nucleotide variant.
Coding change: c.14C>A on transcript NM_007294.4 (MANE Select); coding-DNA position 14, C replaced by A.
Protein change: p.Ala5Asp; replaces alanine 5 with aspartic acid.
Molecular consequence: missense variant. On other transcripts: 5 prime UTR variant (1), non-coding transcript variant (1).
Genome position (GRCh38, 1-based): chr17:43,124,083, G>T on the plus strand (C>A on the coding strand, the complement: BRCA1 is on the minus strand). VCF-style: chr17-43124083-G-T. GRCh37 (hg19) VCF-style: chr17-41276100-G-T.
Other names: c.14C>A, p.Ala5Asp (NM_001407666.1, NM_001407667.1, NM_001407668.1 and 193 more transcripts); c.-244C>A (NM_001407694.1, NM_001407724.1, NM_001407727.1 and 11 more transcripts); c.-248C>A (NM_001407695.1, NM_001408465.1); c.-389C>A (NM_001407696.1); c.-273C>A (NM_001407697.1, NM_001407846.1, NM_001407920.1); c.-74C>A (NM_001407698.1, NM_001407732.1, NM_001407736.1 and 23 more transcripts); c.-247C>A (NM_001407725.1, NM_001407730.1, NM_001407734.1 and 22 more transcripts); c.-193C>A (NM_001407726.1, NM_001407751.1); and 8 more; short protein forms A5D.
Identifiers: ClinVar variation 867683 (VCV000867683.3), dbSNP rs1335137805, ClinGen allele CA10602132.

Conditions:
Breast-ovarian cancer, familial, susceptibility to, 1 (BROVCA1). Also called: BRCA1 Hereditary Breast and Ovarian Cancer; OVARIAN CANCER, SUSCEPTIBILITY TO. Identifiers: Orphanet 145, MedGen C2676676, MONDO:0011450, OMIM 604370. Disease mechanism: loss of function.

Submission:

Brotman Baty Institute, University of Washington
No classification provided (evidence only). Condition: Breast-ovarian cancer, familial 1. Review status: no classification provided. Collection method: in vitro. Allele origin: not applicable. Functional consequence: functionally_normal.
ClinVar note: "not provided" was previously submitted as the classification for the variant. However, the classification appeared to be based only on an observation of functional data so it was converted to no classification on 2025-07-30.